The following is an entry in ClinVar:

ClinVar aggregate classification (germline): Likely benign (1 of 4 stars; one submission).

Conditions:
IQCN-related condition.

gnomAD v4.1: 536 of 1,612,434 alleles (0.033%); highest among the groups gnomAD compares: African/African-American, 0.37%; 4 homozygotes.

Submission:

PreventionGenetics, part of Exact Sciences
Classification: Likely benign for IQCN-related condition. Last evaluated: 2026-02-06. Review status: criteria provided, single submitter. Criteria: ACMG Guidelines, 2015. Collection method: clinical testing. Allele origin: germline.
Comment: This variant is classified as likely benign based on ACMG/AMP sequence variant interpretation guidelines (Richards et al. 2015 PMID: 25741868, with internal and published modifications).

NM_001145304.2(IQCN):c.3298G>A (p.Gly1100Arg)

Gene: IQCN (IQ motif containing N; minus strand). Cytogenetic location: 19p13.11.
Variant type: single nucleotide variant.
Coding change: c.3298G>A on transcript NM_001145304.2 (MANE Select); coding-DNA position 3298, G replaced by A.
Protein change: p.Gly1100Arg; replaces glycine 1100 with arginine.
Molecular consequence: missense variant.
Genome position (GRCh38, 1-based): chr19:18,257,986, C>T on the plus strand (G>A on the coding strand, the complement: IQCN is on the minus strand). VCF-style: chr19-18257986-C-T. GRCh37 (hg19) VCF-style: chr19-18368796-C-T.
Other names: c.2599G>A, p.Gly867Arg (NM_001145305.2); c.2737G>A, p.Gly913Arg (NM_025249.4); short protein forms G1100R, G867R, G913R.
Identifiers: ClinVar variation 4980266 (VCV004980266.1).